The following is an entry in ClinVar:

ClinVar aggregate classification (germline): Uncertain significance (1 of 4 stars; one submission).

gnomAD v4.1: 1 of 1,613,576 alleles (0.000062%); highest among the groups gnomAD compares: Admixed American, 0.0017%; no homozygotes.

Submission:

Labcorp Genetics (formerly Invitae), Labcorp
Classification: Uncertain significance. Last evaluated: 2025-04-02. Review status: criteria provided, single submitter. Criteria: Invitae Variant Classification Sherloc (09022015). Collection method: clinical testing. Allele origin: germline.
Comment: This sequence change replaces glutamine, which is neutral and polar, with proline, which is neutral and non-polar, at codon 217 of the SIN3A protein (p.Gln217Pro). This variant is present in population databases (no rsID available, gnomAD 0.003%). This variant has not been reported in the literature in individuals affected with SIN3A-related conditions. Invitae Evidence Modeling of protein sequence and biophysical properties (such as structural, functional, and spatial information, amino acid conservation, physicochemical variation, residue mobility, and thermodynamic stability) indicates that this missense variant is not expected to disrupt SIN3A protein function with a negative predictive value of 80%. In summary, the available evidence is currently insufficient to determine the role of this variant in disease. Therefore, it has been classified as a Variant of Uncertain Significance.

NM_001145358.2(SIN3A):c.650A>C (p.Gln217Pro)

Gene: SIN3A (SIN3 transcription regulator family member A; minus strand). Cytogenetic location: 15q24.2.
Variant type: single nucleotide variant.
Coding change: c.650A>C on transcript NM_001145358.2 (MANE Select); coding-DNA position 650, A replaced by C.
Protein change: p.Gln217Pro; replaces glutamine 217 with proline.
Molecular consequence: missense variant.
Genome position (GRCh38, 1-based): chr15:75,412,869, T>G on the plus strand (A>C on the coding strand, the complement: SIN3A is on the minus strand). VCF-style: chr15-75412869-T-G. GRCh37 (hg19) VCF-style: chr15-75705210-T-G.
Other names: c.650A>C, p.Gln217Pro (NM_001145357.2, NM_001437462.1, NM_001437463.1 and 1 more transcripts); short protein forms Q217P.
Identifiers: ClinVar variation 4771200 (VCV004771200.1).